The following is an entry in ClinVar:

ClinVar aggregate classification (germline): Uncertain significance. Review status: criteria provided, multiple submitters, no conflicts (2 of 4 stars). 3 submissions from 3 submitters: Uncertain significance (3). Last evaluated 2025-07-16.

Conditions:
Inborn genetic diseases. Identifiers: MedGen C0950123, MeSH D030342.

Allele frequency attached by ClinVar (database versions not stated): gnomAD exomes 0.00004; TOPMed 0.00004; gnomAD 0.00005; ExAC 0.00009.
gnomAD v4.1: 71 of 1,603,546 alleles (0.0044%); highest among the groups gnomAD compares: South Asian, 0.021%; no homozygotes.

Submissions (3):

Ambry Genetics
Classification: Uncertain significance for Inborn genetic diseases. Last evaluated: 2025-07-16. Review status: criteria provided, single submitter. Criteria: Ambry Variant Classification Scheme 2023. Collection method: clinical testing. Allele origin: germline.
Comment: Unlikely to be causative of congenital contractures of the limbs and face, hypotonia, and developmental delay (AD) Based on insufficient or conflicting evidence, the clinical significance of this alteration remains unclear.

Revvity Omics, Revvity
Classification: Uncertain significance. Last evaluated: 2024-11-06. Review status: criteria provided, single submitter. Criteria: ACMG Guidelines, 2015. Collection method: clinical testing. Allele origin: germline.

Blueprint Genetics
Classification: Uncertain significance. Last evaluated: 2024-01-10. Review status: criteria provided, single submitter. Criteria: ACMG Guidelines, 2015. Collection method: clinical testing. Allele origin: germline.

NM_052867.4(NALCN):c.2294+3A>T

Gene: NALCN (sodium leak channel, non-selective; minus strand). Cytogenetic location: 13q33.1.
Variant type: single nucleotide variant.
Coding change: c.2294+3A>T on transcript NM_052867.4 (MANE Select); 3 bases into the intron after coding-DNA position 2294, A replaced by T.
Molecular consequence: intron variant.
Genome position (GRCh38, 1-based): chr13:101,111,122, T>A on the plus strand (A>T on the coding strand, the complement: NALCN is on the minus strand). VCF-style: chr13-101111122-T-A. GRCh37 (hg19) VCF-style: chr13-101763473-T-A.
Other names: c.2294+3A>T (NM_052867.2, NM_001350749.2); c.2207+3A>T (NM_001350751.2, NM_001350750.2); c.2381+3A>T (NM_001350748.2).
Identifiers: ClinVar variation 2434030 (VCV002434030.5), dbSNP rs750031720, ClinGen allele CA7035766.
Genomic context (GRCh38, chr13:101,111,122, plus strand): 5'-ACCATTTCCTGTAAAACCCCCCTTTTTTAGAGTCTCTGAAGCCCTGTCTTCCCAAGTATT[T>A]ACCTGCGCTCTTGGCGGATATGATGCTGCACGCTGAGGATTGACCTCTCCTTTGCGGGCT-3'